The following is an entry in ClinVar:

ClinVar aggregate classification (germline): Pathogenic (1 of 4 stars; one submission).

Conditions:
Hajdu-Cheney syndrome (HJCYS). Also called: SERPENTINE FIBULA-POLYCYSTIC KIDNEY SYNDROME; ACROOSTEOLYSIS WITH OSTEOPOROSIS AND CHANGES IN SKULL AND MANDIBLE; Acroosteolysis dominant type. Identifiers: Orphanet 955, MedGen C0917715, MONDO:0007057, OMIM 102500.

Submission:

Labcorp Genetics (formerly Invitae), Labcorp
Classification: Pathogenic for Hajdu-Cheney syndrome. Last evaluated: 2021-06-22. Review status: criteria provided, single submitter. Criteria: Invitae Variant Classification Sherloc (09022015). Collection method: clinical testing. Allele origin: germline.
Comment: For these reasons, this variant has been classified as Pathogenic. This variant has not been reported in the literature in individuals affected with NOTCH2-related conditions. This variant is not present in population databases (ExAC no frequency). This sequence change creates a premature translational stop signal (p.Leu1139Trpfs*68) in the NOTCH2 gene. It is expected to result in an absent or disrupted protein product. Loss-of-function variants in NOTCH2 are known to be pathogenic (PMID: 16773578, 22209762).

Literature cited by the submitters: PubMed 16773578; PubMed 22209762.

NM_024408.4(NOTCH2):c.3415del (p.Leu1139fs)

Gene: NOTCH2 (notch receptor 2; minus strand). Cytogenetic location: 1p12.
Variant type: Deletion.
Coding change: c.3415del on transcript NM_024408.4 (MANE Select); coding-DNA position 3415, one base deleted (C; older notation c.3415delC).
Protein change: p.Leu1139fs; shifts the reading frame from leucine 1139.
Molecular consequence: frameshift variant.
Genome position (GRCh38, 1-based): chr1:119,937,389, G deleted on the plus strand (C on the coding strand, the reverse complement: NOTCH2 is on the minus strand); the first of 5 consecutive G bases (chr1:119,937,389-119,937,393); deleting any one gives the same sequence. VCF-style (leftmost placement, unchanged base first): chr1-119937388-AG-A. GRCh37 (hg19) VCF-style: chr1-120480011-AG-A.
Other names: c.3415del, p.Leu1139fs (NM_001200001.2); short protein forms L1139fs.
Identifiers: ClinVar variation 1457269 (VCV001457269.6), dbSNP rs1557812162, ClinGen allele CA645534899.
Genomic context (GRCh38, chr1:119,937,388, plus strand): 5'-TGGCAGGGGTTGGACGCACACTCATCGAGTTGCTCCTCACAGTAGCTCCCAGTATAGCCC[AG>A]GGGGCACTGACAGTAATGCGTGTTGCCAGCATTGATGCAGACACCTGAGTGCTGGCACAA-3'